The following is an entry in ClinVar:

NM_001042492.3(NF1):c.1502del (p.His501fs)

Gene: NF1 (neurofibromin 1; plus strand). Cytogenetic location: 17q11.2.
Variant type: Deletion.
Coding change: c.1502del on transcript NM_001042492.3 (MANE Select); coding-DNA position 1502, one base deleted (A; older notation c.1502delA).
Protein change: p.His501fs; shifts the reading frame from histidine 501.
Molecular consequence: frameshift variant.
Genome position (GRCh38, 1-based): chr17:31,214,560, A deleted. VCF-style (leftmost placement, unchanged base first): chr17-31214559-CA-C. GRCh37 (hg19) VCF-style: chr17-29541577-CA-C.
Other names: c.1502delA, p.His501Leufs (NM_000267.4); c.1502del, p.His501fs (NM_001128147.3); c.1502delA (NM_000267.3); short protein forms H501fs.
Identifiers: ClinVar variation 3404702 (VCV003404702.1).

ClinVar aggregate classification (germline): Pathogenic (1 of 4 stars; one submission).

Conditions:
Hereditary cancer-predisposing syndrome. Also called: Hereditary Cancer Syndrome; Tumor predisposition; Hereditary neoplastic syndrome; Neoplastic Syndromes, Hereditary. Identifiers: Orphanet 140162, MedGen C0027672, MeSH D009386, MONDO:0015356.
Cardiovascular phenotype. Identifiers: MedGen CN230736.

Submission:

Ambry Genetics
Classification: Pathogenic for Cardiovascular phenotype; Hereditary cancer-predisposing syndrome. Last evaluated: 2024-08-29. Review status: criteria provided, single submitter. Criteria: Ambry Variant Classification Scheme 2023. Collection method: clinical testing. Allele origin: germline.
Comment: The c.1502delA pathogenic mutation, located in coding exon 13 of the NF1 gene, results from a deletion of one nucleotide at nucleotide position 1502, causing a translational frameshift with a predicted alternate stop codon (p.H501Lfs*25). This variant is considered to be rare based on population cohorts in the Genome Aggregation Database (gnomAD). This alteration is expected to result in loss of function by premature protein truncation or nonsense-mediated mRNA decay. As such, this alteration is interpreted as a disease-causing mutation.